The following is an entry in ClinVar:

ClinVar aggregate classification (germline): Uncertain significance (1 of 4 stars; one submission).

Conditions:
Mucopolysaccharidosis type 6 (MPS6). Also called: N-ACETYLGALACTOSAMINE-4-SULFATASE DEFICIENCY; MPS VI; ARSB DEFICIENCY; ARYLSULFATASE B DEFICIENCY; MPS 6; Maroteaux Lamy syndrome. Identifiers: Orphanet 583, MedGen C0026709, MONDO:0009661, OMIM 253200.

Submission:

Labcorp Genetics (formerly Invitae), Labcorp
Classification: Uncertain significance for Mucopolysaccharidosis type 6. Last evaluated: 2024-07-16. Review status: criteria provided, single submitter. Criteria: Invitae Variant Classification Sherloc (09022015). Collection method: clinical testing. Allele origin: germline.
Comment: This sequence change replaces methionine, which is neutral and non-polar, with leucine, which is neutral and non-polar, at codon 273 of the ARSB protein (p.Met273Leu). This variant is not present in population databases (gnomAD no frequency). This variant has not been reported in the literature in individuals affected with ARSB-related conditions. An algorithm developed to predict the effect of missense changes on protein structure and function outputs the following: PolyPhen-2: "Benign". The leucine amino acid residue is found in multiple mammalian species, which suggests that this missense change does not adversely affect protein function. In summary, the available evidence is currently insufficient to determine the role of this variant in disease. Therefore, it has been classified as a Variant of Uncertain Significance.

NM_000046.5(ARSB):c.817A>T (p.Met273Leu)

Gene: ARSB (arylsulfatase B; minus strand). Cytogenetic location: 5q14.1.
Variant type: single nucleotide variant.
Coding change: c.817A>T on transcript NM_000046.5 (MANE Select); coding-DNA position 817, A replaced by T.
Protein change: p.Met273Leu; replaces methionine 273 with leucine.
Molecular consequence: missense variant.
Genome position (GRCh38, 1-based): chr5:78,955,376, T>A on the plus strand (A>T on the coding strand, the complement: ARSB is on the minus strand). VCF-style: chr5-78955376-T-A. GRCh37 (hg19) VCF-style: chr5-78251199-T-A.
Other names: c.817A>T, p.Met273Leu (NM_198709.3); short protein forms M273L.
Identifiers: ClinVar variation 3659689 (VCV003659689.2).